The following is an entry in ClinVar:

ClinVar aggregate classification (germline): Conflicting classifications of pathogenicity. Review status: criteria provided, conflicting classifications (1 of 4 stars). 3 submissions from 3 submitters: Uncertain significance (2); Likely benign (1). Last evaluated 2025-10-08.

Conditions:
Arrhythmogenic right ventricular dysplasia 10. Also called: Arrhythmogenic Right Ventricular Dysplasia/Cardiomyopathy10; ARRHYTHMOGENIC RIGHT VENTRICULAR DYSPLASIA, FAMILIAL, 10; Arrhythmogenic right ventricular dysplasia/cardiomyopathy, type 10. Identifiers: MedGen C1857777, MONDO:0012434, OMIM 610193.
Cardiovascular phenotype. Identifiers: MedGen CN230736.

Allele frequency attached by ClinVar (database versions not stated): gnomAD exomes below 0.00001.

Submissions (3):

Ambry Genetics
Classification: Likely benign for Cardiovascular phenotype. Last evaluated: 2025-10-08. Review status: criteria provided, single submitter. Criteria: Ambry Variant Classification Scheme 2023. Collection method: clinical testing. Allele origin: germline.

GeneDx
Classification: Uncertain significance. Last evaluated: 2023-11-22. Review status: criteria provided, single submitter. Criteria: GeneDx Variant Classification Process June 2021. Collection method: clinical testing. Allele origin: germline. Affected: yes.
Comment: Has not been previously published as pathogenic or benign to our knowledge; Not observed at significant frequency in large population cohorts (gnomAD); In silico analysis supports that this missense variant does not alter protein structure/function

Labcorp Genetics (formerly Invitae), Labcorp
Classification: Uncertain significance for Arrhythmogenic right ventricular dysplasia 10. Last evaluated: 2022-10-22. Review status: criteria provided, single submitter. Criteria: Invitae Variant Classification Sherloc (09022015). Collection method: clinical testing. Allele origin: germline.
Comment: This sequence change replaces serine, which is neutral and polar, with asparagine, which is neutral and polar, at codon 559 of the DSG2 protein (p.Ser559Asn). This variant is present in population databases (no rsID available, gnomAD 0.003%). This variant has not been reported in the literature in individuals affected with DSG2-related conditions. Advanced modeling of protein sequence and biophysical properties (such as structural, functional, and spatial information, amino acid conservation, physicochemical variation, residue mobility, and thermodynamic stability) performed at Invitae indicates that this missense variant is not expected to disrupt DSG2 protein function. In summary, the available evidence is currently insufficient to determine the role of this variant in disease. Therefore, it has been classified as a Variant of Uncertain Significance.

NM_001943.5(DSG2):c.1676G>A (p.Ser559Asn)

Gene: DSG2 (desmoglein 2; plus strand). Cytogenetic location: 18q12.1.
Variant type: single nucleotide variant.
Coding change: c.1676G>A on transcript NM_001943.5 (MANE Select); coding-DNA position 1676, G replaced by A.
Protein change: p.Ser559Asn; replaces serine 559 with asparagine.
Molecular consequence: missense variant.
Genome position (GRCh38, 1-based): chr18:31,538,775, G>A. VCF-style: chr18-31538775-G-A. GRCh37 (hg19) VCF-style: chr18-29118738-G-A.
Other names: short protein forms S559N.
Identifiers: ClinVar variation 1777798 (VCV001777798.6), dbSNP rs1254841751, ClinGen allele CA402136905.
Genomic context (GRCh38, chr18:31,538,775, plus strand): 5'-TTCGTTTTTATTTCCTTCTGCCTCCCAACCTTGTAGGTACCAGTGTGCTGCTGCAACAAA[G>A]TGAGAAAAAGCTTGGGAGAAGTGAAATTCAGTTCCTGATTTCAGACAATCAGGGTTTTAG-3'
Protein context (NP_001934.2, residues 549-569): QESTSVLLQQ[Ser559Asn]EKKLGRSEIQ